The following is an entry in ClinVar:

ClinVar aggregate classification (germline): Uncertain significance. Review status: criteria provided, multiple submitters, no conflicts (2 of 4 stars). 2 submissions from 2 submitters: Uncertain significance (2). Last evaluated 2025-08-24.

Allele frequency attached by ClinVar (database versions not stated): gnomAD exomes 0.00001 and 0.00002; TOPMed 0.00001; ExAC 0.00002.
gnomAD v4.1: 20 of 1,613,900 alleles (0.0012%); highest among the groups gnomAD compares: Admixed American, 0.0033%; no homozygotes.

Submissions (2):

Ambry Genetics
Classification: Uncertain significance. Last evaluated: 2025-08-24. Review status: criteria provided, single submitter. Criteria: Ambry Variant Classification Scheme 2023. Collection method: clinical testing. Allele origin: germline.

Labcorp Genetics (formerly Invitae), Labcorp
Classification: Uncertain significance. Last evaluated: 2025-03-31. Review status: criteria provided, single submitter. Criteria: Invitae Variant Classification Sherloc (09022015). Collection method: clinical testing. Allele origin: germline.
Comment: This sequence change replaces arginine, which is basic and polar, with threonine, which is neutral and polar, at codon 566 of the RPS6KC1 protein (p.Arg566Thr). This variant is present in population databases (rs756439990, gnomAD 0.003%). This variant has not been reported in the literature in individuals affected with RPS6KC1-related conditions. ClinVar contains an entry for this variant (Variation ID: 1513694). An algorithm developed to predict the effect of missense changes on protein structure and function outputs the following: PolyPhen-2: "Benign". The threonine amino acid residue is found in multiple mammalian species, which suggests that this missense change does not adversely affect protein function. In summary, the available evidence is currently insufficient to determine the role of this variant in disease. Therefore, it has been classified as a Variant of Uncertain Significance.

NM_012424.6(RPS6KC1):c.1697G>C (p.Arg566Thr)

Gene: RPS6KC1 (ribosomal protein S6 kinase C1; plus strand). Cytogenetic location: 1q32.3.
Variant type: single nucleotide variant.
Coding change: c.1697G>C on transcript NM_012424.6 (MANE Select); coding-DNA position 1697, G replaced by C.
Protein change: p.Arg566Thr; replaces arginine 566 with threonine.
Molecular consequence: missense variant. On other transcripts: non-coding transcript variant (4).
Genome position (GRCh38, 1-based): chr1:213,241,173, G>C. VCF-style: chr1-213241173-G-C. GRCh37 (hg19) VCF-style: chr1-213414516-G-C.
Other names: c.1697G>C (NM_012424.3); c.1661G>C, p.Arg554Thr (NM_001136138.4); c.1061G>C, p.Arg354Thr (NM_001287218.3, NM_001287219.3, NM_001349654.2); c.302G>C, p.Arg101Thr (NM_001287220.3, NM_001349663.2, NM_001349664.2 and 8 more transcripts); c.1154G>C, p.Arg385Thr (NM_001287221.3, NM_001349648.2, NM_001349649.2 and 4 more transcripts); c.1604G>C, p.Arg535Thr (NM_001349646.2); c.1334G>C, p.Arg445Thr (NM_001349647.2); c.806G>C, p.Arg269Thr (NM_001349657.2, NM_001349658.2); and 1 more; short protein forms R214T, R445T, R554T, R101T, R269T, R535T, R354T, R385T.
Identifiers: ClinVar variation 1513694 (VCV001513694.7), dbSNP rs756439990, ClinGen allele CA1387501.
Genomic context (GRCh38, chr1:213,241,173, plus strand): 5'-CTATTAAAAGCTTCCCAGCACACCTTGCTGCTGACAGTGACAGCCCCAGCACACAGCTGA[G>C]AGCTCACGAGCTGAAGTTCTTCCCCAACGATGACCCAGAAGCAGTTAGTTCTCCAAGAAC-3'
Protein context (NP_036556.2, residues 556-576): ADSDSPSTQL[Arg566Thr]AHELKFFPND